The following is an entry in ClinVar:

NM_000548.5(TSC2):c.995A>T (p.Glu332Val)

Gene: TSC2 (TSC complex subunit 2; plus strand). Cytogenetic location: 16p13.3.
Variant type: single nucleotide variant.
Coding change: c.995A>T on transcript NM_000548.5 (MANE Select); coding-DNA position 995, A replaced by T.
Protein change: p.Glu332Val; replaces glutamic acid 332 with valine.
Molecular consequence: missense variant. On other transcripts: non-coding transcript variant (5), 5 prime UTR variant (10).
Genome position (GRCh38, 1-based): chr16:2,060,689, A>T. VCF-style: chr16-2060689-A-T. GRCh37 (hg19) VCF-style: chr16-2110690-A-T.
Other names: c.983A>T, p.Glu328Val (NM_001406673.1, NM_001406671.1); c.848A>T, p.Glu283Val (NM_001406675.1, NM_001406676.1, NM_001406679.1 and 1 more transcripts); c.938A>T, p.Glu313Val (NM_001406677.1); c.884A>T, p.Glu295Val (NM_001406678.1, NM_001318827.2, NM_001406670.1); c.395A>T, p.Glu132Val (NM_001406680.1, NM_001406682.1, NM_001406683.1 and 6 more transcripts); c.533A>T, p.Glu178Val (NM_001406681.1); c.-437A>T (NM_001406689.1, NM_001406690.1, NM_001406691.1 and 4 more transcripts); c.-318A>T (NM_001406694.1, NM_001406695.1); and 4 more; short protein forms E178V, E132V, E283V, E295V, E328V, E313V, E332V, E343V.
Identifiers: ClinVar variation 2564664 (VCV002564664.2), dbSNP rs2151135068, ClinGen allele CA394317295.
Genomic context (GRCh38, chr16:2,060,689, plus strand): 5'-AGCAGCTCTGACCCTGTGTGCTGGCCGGGCTCGTGTTCCAGGCCATGGCATGTCCGAACG[A>T]GGTGGTGTCCTATGAGATCGTCCTGTCCATCACCAGGCTCATCAAGAAGTATAGGAAGGA-3'
Protein context (NP_000539.2, residues 322-342): SFYQAMACPN[Glu332Val]VVSYEIVLSI

ClinVar aggregate classification (germline): Uncertain significance (1 of 4 stars; one submission).

Conditions:
Hereditary cancer-predisposing syndrome. Also called: Neoplastic Syndromes, Hereditary; Hereditary Cancer Syndrome; Hereditary neoplastic syndrome; Tumor predisposition. Identifiers: Orphanet 140162, MedGen C0027672, MeSH D009386, MONDO:0015356.

Submission:

Ambry Genetics
Classification: Uncertain significance for Hereditary cancer-predisposing syndrome. Last evaluated: 2023-04-18. Review status: criteria provided, single submitter. Criteria: Ambry Variant Classification Scheme 2023. Collection method: clinical testing. Allele origin: germline.
Comment: The p.E332V variant (also known as c.995A>T), located in coding exon 10 of the TSC2 gene, results from an A to T substitution at nucleotide position 995. The glutamic acid at codon 332 is replaced by valine, an amino acid with dissimilar properties. This amino acid position is conserved. In addition, the in silico prediction for this alteration is inconclusive. Since supporting evidence is limited at this time, the clinical significance of this alteration remains unclear.